The following is an entry in ClinVar:

ClinVar aggregate classification (germline): Uncertain significance (1 of 4 stars; one submission).

Submission:

Dasa
Classification: Uncertain significance. Last evaluated: 2025-04-28. Review status: criteria provided, single submitter. Criteria: DASA Assertion Criteria. Collection method: clinical testing. Allele origin: germline.
Comment: NM_001394372.1(BICRA):c.1550A>G (p.Asn517Ser) is a missense variant that results in the substitution of asparagine with serine. This variant is absent from population databases. Computational prediction algorithms are consistent with a benign effect. The currently available literature and clinical evidence are not sufficient to establish a definitive association between this variant and the reported condition. Therefore, this variant is classified as a variant of uncertain significance.

NM_001394372.1(BICRA):c.1550A>G (p.Asn517Ser)

Gene: BICRA (BRD4 interacting chromatin remodeling complex associated protein; plus strand). Cytogenetic location: 19q13.33.
Variant type: single nucleotide variant.
Coding change: c.1550A>G on transcript NM_001394372.1 (MANE Select); coding-DNA position 1550, A replaced by G.
Protein change: p.Asn517Ser; replaces asparagine 517 with serine.
Molecular consequence: missense variant.
Genome position (GRCh38, 1-based): chr19:47,680,720, A>G. VCF-style: chr19-47680720-A-G. GRCh37 (hg19) VCF-style: chr19-48183977-A-G.
Other names: c.1550A>G, p.Asn517Ser (NM_015711.3); short protein forms N517S.
Identifiers: ClinVar variation 4883643 (VCV004883643.2).
Genomic context (GRCh38, chr19:47,680,720, plus strand): 5'-TCCTGGCGGCCGCTGCCCCCCACACAGGTGGACAGCTCATCGCGAACCCCATCCTCACAA[A>G]CCAGAACCTGGCGGGCCCACTGAGCCTGGGCCCCGTGTTGGCCCCCCACTCCGGGGCCCA-3'
Protein context (NP_001381301.1, residues 507-527): GQLIANPILT[Asn517Ser]QNLAGPLSLG